The following is an entry in ClinVar:

ClinVar aggregate classification (germline): Uncertain significance. Review status: criteria provided, multiple submitters, no conflicts (2 of 4 stars). 2 submissions from 2 submitters: Uncertain significance (2). Last evaluated 2023-11-14.

Conditions:
Inborn genetic diseases. Identifiers: MedGen C0950123, MeSH D030342.

Allele frequency attached by ClinVar (database versions not stated): gnomAD 0.00003; gnomAD exomes 0.00002; TOPMed 0.00002; ExAC 0.00003.
gnomAD v4.1: 36 of 1,612,928 alleles (0.0022%); highest among the groups gnomAD compares: South Asian, 0.0033%; no homozygotes.

Submissions (2):

Ambry Genetics
Classification: Uncertain significance for Inborn genetic diseases. Last evaluated: 2023-11-14. Review status: criteria provided, single submitter. Criteria: Ambry Variant Classification Scheme 2023. Collection method: clinical testing. Allele origin: germline.

Labcorp Genetics (formerly Invitae), Labcorp
Classification: Uncertain significance. Last evaluated: 2023-05-15. Review status: criteria provided, single submitter. Criteria: Invitae Variant Classification Sherloc (09022015). Collection method: clinical testing. Allele origin: germline.
Comment: In summary, the available evidence is currently insufficient to determine the role of this variant in disease. Therefore, it has been classified as a Variant of Uncertain Significance. Advanced modeling of protein sequence and biophysical properties (such as structural, functional, and spatial information, amino acid conservation, physicochemical variation, residue mobility, and thermodynamic stability) performed at Invitae indicates that this missense variant is not expected to disrupt MYH3 protein function. ClinVar contains an entry for this variant (Variation ID: 2420641). This variant has not been reported in the literature in individuals affected with MYH3-related conditions. This variant is present in population databases (rs771125552, gnomAD 0.006%). This sequence change replaces lysine, which is basic and polar, with arginine, which is basic and polar, at codon 84 of the MYH3 protein (p.Lys84Arg).

NM_002470.4(MYH3):c.251A>G (p.Lys84Arg)

Gene: MYH3 (myosin heavy chain 3; minus strand). Cytogenetic location: 17p13.1.
Variant type: single nucleotide variant.
Coding change: c.251A>G on transcript NM_002470.4 (MANE Select); coding-DNA position 251, A replaced by G.
Protein change: p.Lys84Arg; replaces lysine 84 with arginine.
Molecular consequence: missense variant.
Genome position (GRCh38, 1-based): chr17:10,652,517, T>C on the plus strand (A>G on the coding strand, the complement: MYH3 is on the minus strand). VCF-style: chr17-10652517-T-C. GRCh37 (hg19) VCF-style: chr17-10555834-T-C.
Other names: c.251A>G (NM_002470.3); short protein forms K84R.
Identifiers: ClinVar variation 2420641 (VCV002420641.6), dbSNP rs771125552, ClinGen allele CA8393361.